The following is an entry in ClinVar:

ClinVar aggregate classification (germline): Uncertain significance (1 of 4 stars; one submission).

Allele frequency attached by ClinVar (database versions not stated): TOPMed below 0.00001; ESP Exome Variant Server 0.00008.
gnomAD v4.1: 11 of 1,614,060 alleles (0.00068%); highest among the groups gnomAD compares: East Asian, 0.0045%; no homozygotes.

Submission:

Labcorp Genetics (formerly Invitae), Labcorp
Classification: Uncertain significance. Last evaluated: 2022-02-09. Review status: criteria provided, single submitter. Criteria: Invitae Variant Classification Sherloc (09022015). Collection method: clinical testing. Allele origin: germline.
Comment: In summary, the available evidence is currently insufficient to determine the role of this variant in disease. Therefore, it has been classified as a Variant of Uncertain Significance. Algorithms developed to predict the effect of missense changes on protein structure and function are either unavailable or do not agree on the potential impact of this missense change (SIFT: "Tolerated"; PolyPhen-2: "Probably Damaging"; Align-GVGD: "Class C0"). This variant has not been reported in the literature in individuals affected with TALDO1-related conditions. This variant is present in population databases (rs140348538, gnomAD 0.02%). This sequence change replaces threonine, which is neutral and polar, with methionine, which is neutral and non-polar, at codon 241 of the TALDO1 protein (p.Thr241Met).

NM_006755.2(TALDO1):c.722C>T (p.Thr241Met)

Gene: TALDO1 (transaldolase 1; plus strand). Cytogenetic location: 11p15.5.
Variant type: single nucleotide variant.
Coding change: c.722C>T on transcript NM_006755.2 (MANE Select); coding-DNA position 722, C replaced by T.
Protein change: p.Thr241Met; replaces threonine 241 with methionine.
Molecular consequence: missense variant.
Genome position (GRCh38, 1-based): chr11:763,831, C>T. VCF-style: chr11-763831-C-T. GRCh37 (hg19) VCF-style: chr11-763831-C-T.
Other names: short protein forms T241M.
Identifiers: ClinVar variation 1942666 (VCV001942666.5), dbSNP rs140348538, ClinGen allele CA5788278.